The following is an entry in ClinVar:

NM_031407.7(HUWE1):c.613G>C (p.Asp205His)

Gene: HUWE1 (HECT, UBA and WWE domain containing E3 ubiquitin protein ligase 1; minus strand). Cytogenetic location: Xp11.22.
Variant type: single nucleotide variant.
Coding change: c.613G>C on transcript NM_031407.7 (MANE Select); coding-DNA position 613, G replaced by C.
Protein change: p.Asp205His; replaces aspartic acid 205 with histidine.
Molecular consequence: missense variant.
Genome position (GRCh38, 1-based): chrX:53,632,519, C>G on the plus strand (G>C on the coding strand, the complement: HUWE1 is on the minus strand). VCF-style: chrX-53632519-C-G. GRCh37 (hg19) VCF-style: chrX-53659471-C-G.
Other names: short protein forms D205H.
Identifiers: ClinVar variation 2633224 (VCV002633224.2), dbSNP rs2528215197, ClinGen allele CA413161587.
Genomic context (GRCh38, chrX:53,632,519, plus strand): 5'-TGTCAGAACAAATCTGAATCAGACTCACCCTTTTCTCAATTTTGACCTCGGCCCCAGGAT[C>G]TGCATAGAATTCAAAGTGTAGTGTAGTTGCACTGGGTGGATATTTCTGTGTATAAAGCAC-3'
Protein context (NP_113584.3, residues 195-215): ATTLHFEFYA[Asp205His]PGAEVKIEKR

ClinVar aggregate classification (germline): Uncertain significance (0 of 4 stars; one submission).

Conditions:
HUWE1-related disorder. Also called: HUWE1-related condition.

Submission:

PreventionGenetics, part of Exact Sciences
Classification: Uncertain significance for HUWE1-related condition. Last evaluated: 2024-05-29. Review status: no assertion criteria provided. Collection method: clinical testing. Allele origin: germline.
Comment: The HUWE1 c.613G>C variant is predicted to result in the amino acid substitution p.Asp205His. To our knowledge, this variant has not been reported in the literature or in a large population database, indicating this variant is rare. At this time, the clinical significance of this variant is uncertain due to the absence of conclusive functional and genetic evidence.